The following is an entry in ClinVar:

ClinVar aggregate classification (germline): Uncertain significance. Review status: criteria provided, multiple submitters, no conflicts (2 of 4 stars). 2 submissions from 2 submitters: Uncertain significance (2). Last evaluated 2024-02-28.

Conditions:
Inborn genetic diseases. Identifiers: MedGen C0950123, MeSH D030342.

Allele frequency attached by ClinVar (database versions not stated): gnomAD exomes below 0.00001; gnomAD 0.00003.

Submissions (2):

Ambry Genetics
Classification: Uncertain significance for Inborn genetic diseases. Last evaluated: 2024-02-28. Review status: criteria provided, single submitter. Criteria: Ambry Variant Classification Scheme 2023. Collection method: clinical testing. Allele origin: germline.

Labcorp Genetics (formerly Invitae), Labcorp
Classification: Uncertain significance. Last evaluated: 2022-07-07. Review status: criteria provided, single submitter. Criteria: Invitae Variant Classification Sherloc (09022015). Collection method: clinical testing. Allele origin: germline.
Comment: This sequence change replaces asparagine, which is neutral and polar, with lysine, which is basic and polar, at codon 466 of the PRDM13 protein (p.Asn466Lys). In summary, the available evidence is currently insufficient to determine the role of this variant in disease. Therefore, it has been classified as a Variant of Uncertain Significance. Algorithms developed to predict the effect of missense changes on protein structure and function (SIFT, PolyPhen-2, Align-GVGD) all suggest that this variant is likely to be disruptive. ClinVar contains an entry for this variant (Variation ID: 1467020). This variant has not been reported in the literature in individuals affected with PRDM13-related conditions. The frequency data for this variant in the population databases is considered unreliable, as metrics indicate poor data quality at this position in the gnomAD database.

NM_021620.4(PRDM13):c.1398C>A (p.Asn466Lys)

Gene: PRDM13 (PR/SET domain 13; plus strand). Cytogenetic location: 6q16.2.
Variant type: single nucleotide variant.
Coding change: c.1398C>A on transcript NM_021620.4 (MANE Select); coding-DNA position 1398, C replaced by A.
Protein change: p.Asn466Lys; replaces asparagine 466 with lysine.
Molecular consequence: missense variant.
Genome position (GRCh38, 1-based): chr6:99,614,033, C>A. VCF-style: chr6-99614033-C-A. GRCh37 (hg19) VCF-style: chr6-100061909-C-A.
Other names: c.1398C>A (NM_021620.3); short protein forms N466K.
Identifiers: ClinVar variation 1467020 (VCV001467020.7), dbSNP rs959490421, ClinGen allele CA143975821.